The following is an entry in ClinVar:

NM_004813.4(PEX16):c.877C>T (p.Arg293Cys)

Gene: PEX16 (peroxisomal biogenesis factor 16; minus strand). Cytogenetic location: 11p11.2.
Variant type: single nucleotide variant.
Coding change: c.877C>T on transcript NM_004813.4 (MANE Select); coding-DNA position 877, C replaced by T.
Protein change: p.Arg293Cys; replaces arginine 293 with cysteine.
Molecular consequence: missense variant.
Genome position (GRCh38, 1-based): chr11:45,913,829, G>A on the plus strand (C>T on the coding strand, the complement: PEX16 is on the minus strand). VCF-style: chr11-45913829-G-A. GRCh37 (hg19) VCF-style: chr11-45935380-G-A.
Other names: c.877C>T, p.Arg293Cys (NM_057174.3); short protein forms R293C.
Identifiers: ClinVar variation 282806 (VCV000282806.21), dbSNP rs544053792, ClinGen allele CA5959789.
Genomic context (GRCh38, chr11:45,913,829, plus strand): 5'-GTGCCCGCTTGCCAGCCCTCTCCCTGGCTCAGGGTGTCCTGGGTGCTTACTCGGAGAAGC[G>A]GTCATAGAAAGGAGAGCGCAGCAGGTAGTAGAGCAGCAGGATGGTCCGGCGCCGCAGCTC-3'
Protein context (NP_004804.2, residues 283-303): YYLLRSPFYD[Arg293Cys]FSEARILFLL

ClinVar aggregate classification (germline): Uncertain significance. Review status: criteria provided, multiple submitters, no conflicts (2 of 4 stars). 8 submissions from 8 submitters: Uncertain significance (7). 1 of the submissions does not count toward it. Last evaluated 2025-11-11.

Conditions:
PEX16-related disorder. Also called: PEX16-related condition.
Inborn genetic diseases. Identifiers: MedGen C0950123, MeSH D030342.
Peroxisome biogenesis disorder 8A (Zellweger). Also called: Peroxisome biogenesis disorder 8A. Identifiers: Orphanet 912, MedGen C3553959, MONDO:0013942, OMIM 614876.
Peroxisome biogenesis disorder 8B (PBD8B). Identifiers: Orphanet 44, MedGen C3553960, MONDO:0013943, OMIM 614877.
Peroxisome biogenesis disorder. Identifiers: Orphanet 79189, MedGen C1832200, MONDO:0019234. Disease mechanism: loss of function.

Allele frequency attached by ClinVar (database versions not stated): gnomAD 0.00013; 1000 Genomes Project 30x 0.00016; 1000 Genomes Project 0.00020; TOPMed 0.00027.
gnomAD v4.1: 404 of 1,613,996 alleles (0.025%); highest among the groups gnomAD compares: East Asian, 0.051%; no homozygotes.

Submissions (8):

Ambry Genetics
Classification: Uncertain significance for Inborn genetic diseases. Last evaluated: 2025-11-11. Review status: criteria provided, single submitter. Criteria: Ambry Variant Classification Scheme 2023. Collection method: clinical testing. Allele origin: germline.

Blueprint Genetics
Classification: Uncertain significance. Last evaluated: 2024-07-01. Review status: criteria provided, single submitter. Criteria: ACMG Guidelines, 2015. Collection method: clinical testing. Allele origin: germline.

GeneDx
Classification: Uncertain significance. Last evaluated: 2023-11-29. Review status: criteria provided, single submitter. Criteria: GeneDx Variant Classification Process June 2021. Collection method: clinical testing. Allele origin: germline. Affected: yes.
Comment: In silico analysis supports that this missense variant has a deleterious effect on protein structure/function; Has not been previously published as pathogenic or benign to our knowledge

Labcorp Genetics (formerly Invitae), Labcorp
Classification: Uncertain significance for Peroxisome biogenesis disorder. Last evaluated: 2022-09-06. Review status: criteria provided, single submitter. Criteria: Invitae Variant Classification Sherloc (09022015). Collection method: clinical testing. Allele origin: germline.
Comment: This sequence change replaces arginine, which is basic and polar, with cysteine, which is neutral and slightly polar, at codon 293 of the PEX16 protein (p.Arg293Cys). This variant is present in population databases (rs544053792, gnomAD 0.06%). This variant has not been reported in the literature in individuals affected with PEX16-related conditions. ClinVar contains an entry for this variant (Variation ID: 282806). Algorithms developed to predict the effect of missense changes on protein structure and function are either unavailable or do not agree on the potential impact of this missense change (SIFT: "Deleterious"; PolyPhen-2: "Possibly Damaging"; Align-GVGD: "Class C0"). In summary, the available evidence is currently insufficient to determine the role of this variant in disease. Therefore, it has been classified as a Variant of Uncertain Significance.

Fulgent Genetics
Classification: Uncertain significance for Peroxisome biogenesis disorder 8A (Zellweger); Peroxisome biogenesis disorder 8B. Last evaluated: 2021-09-20. Review status: criteria provided, single submitter. Criteria: ACMG Guidelines, 2015. Collection method: clinical testing. Allele origin: unknown.

Eurofins Ntd Llc (ga)
Classification: Uncertain significance. Last evaluated: 2018-03-29. Review status: criteria provided, single submitter. Criteria: EGL ClinVar v180209 classification definitions. Collection method: clinical testing. Allele origin: germline. Observed: 3 variant alleles, 3 heterozygotes.

Illumina Laboratory Services, Illumina
Classification: Uncertain significance for Peroxisome biogenesis disorder 8A (Zellweger). Last evaluated: 2018-01-13. Review status: criteria provided, single submitter. Criteria: ICSL Variant Classification Criteria 13 December 2019. Collection method: clinical testing. Allele origin: germline.

PreventionGenetics, part of Exact Sciences
Classification: Uncertain significance for PEX16-related condition. Last evaluated: 2024-06-10. Review status: no assertion criteria provided. Collection method: clinical testing. Allele origin: germline. Not counted in ClinVar's aggregate classification.
Comment: The PEX16 c.877C>T variant is predicted to result in the amino acid substitution p.Arg293Cys. To our knowledge, this variant has not been reported in the literature. This variant is reported in 0.055% of alleles in individuals of East Asian descent in gnomAD. Although we suspect this variant may be benign, at this time, the clinical significance is uncertain due to the absence of conclusive functional and genetic evidence.